The following is an entry in ClinVar:

ClinVar aggregate classification (germline): Conflicting classifications of pathogenicity. Review status: criteria provided, conflicting classifications (1 of 4 stars). 7 submissions from 7 submitters: Uncertain significance (1); Likely benign (4). 2 of the submissions do not count toward it. Last evaluated 2026-01-11.

Conditions:
DGKE-related disorder. Also called: DGKE-related condition.

Allele frequency attached by ClinVar (database versions not stated): gnomAD exomes 0.00025 and 0.00051; ExAC 0.00055; ESP Exome Variant Server 0.00131; gnomAD 0.00161 and 0.00168; TOPMed 0.00198; 1000 Genomes Project 0.00260; 1000 Genomes Project 30x 0.00265.
gnomAD v4.1: 623 of 1,537,696 alleles (0.041%); highest among the groups gnomAD compares: African/African-American, 0.45%; 3 homozygotes.

Submissions (8):

Labcorp Genetics (formerly Invitae), Labcorp
Classification: Likely benign. Last evaluated: 2026-01-11. Review status: criteria provided, single submitter. Criteria: Invitae Variant Classification Sherloc (09022015). Collection method: clinical testing. Allele origin: germline.

PreventionGenetics, part of Exact Sciences
Classification: Likely benign for DGKE-related condition. Last evaluated: 2025-12-26. Review status: criteria provided, single submitter. Criteria: ACMG Guidelines, 2015. Collection method: clinical testing. Allele origin: germline.
Comment: This variant is classified as likely benign based on ACMG/AMP sequence variant interpretation guidelines (Richards et al. 2015 PMID: 25741868, with internal and published modifications).

Mayo Clinic Laboratories, Mayo Clinic
Classification: Likely benign. Last evaluated: 2025-05-13. Review status: criteria provided, single submitter. Criteria: ACMG Guidelines, 2015. Collection method: clinical testing. Allele origin: germline. Observed: 13 variant alleles.
Comment: BS1, BS2_supporting, BP4, BP7

Blueprint Genetics
Classification: Uncertain significance. Last evaluated: 2024-11-27. Review status: criteria provided, single submitter. Criteria: ACMG Guidelines, 2015. Collection method: clinical testing. Allele origin: germline.

Breakthrough Genomics
Classification: Likely benign. Review status: criteria provided, single submitter. Criteria: ACMG Guidelines, 2015. Collection method: not provided. Allele origin: germline. Inheritance: Autosomal recessive inheritance. Affected: yes.

Clinical Genetics DNA and cytogenetics Diagnostics Lab, Erasmus MC, Erasmus Medical Center
Classification: Uncertain significance. Review status: no assertion criteria provided. Collection method: clinical testing. Allele origin: germline. Affected: yes. Study: VKGL Data-share Consensus. Not counted in ClinVar's aggregate classification.

Dr. Peter K. Rogan Lab, Western University
No classification provided (evidence only). Condition: Cervical cancer. Review status: no classification provided. Collection method: in vitro. Allele origin: not applicable. Functional consequence: retained intron. Not counted in ClinVar's aggregate classification.

Joint Genome Diagnostic Labs from Nijmegen and Maastricht, Radboudumc and MUMC+
Classification: Uncertain significance. Review status: no assertion criteria provided. Collection method: clinical testing. Allele origin: germline. Affected: yes. Study: VKGL Data-share Consensus. Not counted in ClinVar's aggregate classification.

NM_003647.3(DGKE):c.465-3C>T

Gene: DGKE (diacylglycerol kinase epsilon; plus strand). Cytogenetic location: 17q22.
Variant type: single nucleotide variant.
Coding change: c.465-3C>T on transcript NM_003647.3 (MANE Select); 3 bases into the intron before coding-DNA position 465, C replaced by T.
Molecular consequence: intron variant.
Genome position (GRCh38, 1-based): chr17:56,844,016, C>T. VCF-style: chr17-56844016-C-T. GRCh37 (hg19) VCF-style: chr17-54921377-C-T.
Other names: p.?.
Identifiers: ClinVar variation 718637 (VCV000718637.18), dbSNP rs375726408, ClinGen allele CA8663520.